The following is an entry in ClinVar:

NM_000079.4(CHRNA1):c.1289T>C (p.Leu430Pro)

Gene: CHRNA1 (cholinergic receptor nicotinic alpha 1 subunit; minus strand). Cytogenetic location: 2q31.1.
Variant type: single nucleotide variant.
Coding change: c.1289T>C on transcript NM_000079.4 (MANE Select); coding-DNA position 1289, T replaced by C.
Protein change: p.Leu430Pro; replaces leucine 430 with proline.
Molecular consequence: missense variant.
Genome position (GRCh38, 1-based): chr2:174,748,209, A>G on the plus strand (T>C on the coding strand, the complement: CHRNA1 is on the minus strand). VCF-style: chr2-174748209-A-G. GRCh37 (hg19) VCF-style: chr2-175612937-A-G.
Other names: c.1364T>C, p.Leu455Pro (NM_001039523.3); short protein forms L430P, L455P.
Identifiers: ClinVar variation 4740611 (VCV004740611.1).

ClinVar aggregate classification (germline): Uncertain significance (1 of 4 stars; one submission).

Conditions:
Lethal multiple pterygium syndrome (LMPS). Identifiers: Orphanet 33108, MedGen C1854678, MONDO:0009668, OMIM 253290.

gnomAD v4.1: 2 of 1,614,164 alleles (0.00012%); highest among the groups gnomAD compares: Admixed American, 0.0033%; no homozygotes.

Submission:

Labcorp Genetics (formerly Invitae), Labcorp
Classification: Uncertain significance for Lethal multiple pterygium syndrome. Last evaluated: 2025-04-03. Review status: criteria provided, single submitter. Criteria: Invitae Variant Classification Sherloc (09022015). Collection method: clinical testing. Allele origin: germline.
Comment: This sequence change replaces leucine, which is neutral and non-polar, with proline, which is neutral and non-polar, at codon 430 of the CHRNA1 protein (p.Leu430Pro). This variant is present in population databases (no rsID available, gnomAD 0.006%). This variant has not been reported in the literature in individuals affected with CHRNA1-related conditions. Invitae Evidence Modeling of protein sequence and biophysical properties (such as structural, functional, and spatial information, amino acid conservation, physicochemical variation, residue mobility, and thermodynamic stability) has been performed for this missense variant. However, the output from this modeling did not meet the statistical confidence thresholds required to predict the impact of this variant on CHRNA1 protein function. In summary, the available evidence is currently insufficient to determine the role of this variant in disease. Therefore, it has been classified as a Variant of Uncertain Significance.